The following is an entry in ClinVar:

ClinVar aggregate classification (germline): Likely pathogenic (1 of 4 stars; one submission).

Conditions:
Usher syndrome type 1B (USH1B). Also called: Usher syndrome type IB. Identifiers: MedGen C1848638, MONDO:0700087.

Submission:

Natera, Inc.
Classification: Likely pathogenic for Usher syndrome type 1B. Last evaluated: 2024-11-04. Review status: criteria provided, single submitter. Criteria: Natera Variant Classification Schema (03/2026). Collection method: clinical testing. Allele origin: germline.
Comment: The c.3801delG variant in MYO7A is a frameshift variant predicted to shift the reading frame beginning at codon 1268 and leads to a stop codon 6 codons downstream. This variant is expected to result in nonsense mediated decay, truncation, or a dysfunctional protein product. This variant is rare in the general population with a frequency below the threshold expected for the associated phenotype(s). Given the available evidence, this variant is classified as Likely Pathogenic.

NM_000260.4(MYO7A):c.3801del (p.Thr1268fs)

Gene: MYO7A (myosin VIIA; plus strand). Cytogenetic location: 11q13.5.
Variant type: Deletion.
Coding change: c.3801del on transcript NM_000260.4 (MANE Select); coding-DNA position 3801, one base deleted (G; older notation c.3801delG).
Protein change: p.Thr1268fs; shifts the reading frame from threonine 1268.
Molecular consequence: frameshift variant.
Genome position (GRCh38, 1-based): chr11:77,190,747, G deleted; the last of 3 consecutive G bases (chr11:77,190,745-77,190,747); deleting any one gives the same sequence. VCF-style (leftmost placement, unchanged base first): chr11-77190744-TG-T. GRCh37 (hg19) VCF-style: chr11-76901789-TG-T.
Other names: c.3801del, p.Thr1268fs (NM_001127180.2); c.3768del, p.Thr1257fs (NM_001369365.1); short protein forms T1257fs, T1268fs.
Identifiers: ClinVar variation 4818025 (VCV004818025.1).